The following is an entry in ClinVar:

ClinVar aggregate classification (germline): Likely pathogenic (1 of 4 stars; one submission).

Submission:

Labcorp Genetics (formerly Invitae), Labcorp
Classification: Likely pathogenic. Last evaluated: 2024-03-17. Review status: criteria provided, single submitter. Criteria: Invitae Variant Classification Sherloc (09022015). Collection method: clinical testing. Allele origin: germline.
Comment: This sequence change affects a donor splice site in intron 15 of the LAMA3 gene. It is expected to disrupt RNA splicing. Variants that disrupt the donor or acceptor splice site typically lead to a loss of protein function (PMID: 16199547), and loss-of-function variants in LAMA3 are known to be pathogenic (PMID: 10366601, 11810295, 12915477, 16473856, 17362460, 22434185, 23869449, 27827380, 28087116). This variant is not present in population databases (gnomAD no frequency). This variant has not been reported in the literature in individuals affected with LAMA3-related conditions. Algorithms developed to predict the effect of sequence changes on RNA splicing suggest that this variant may disrupt the consensus splice site. In summary, the currently available evidence indicates that the variant is pathogenic, but additional data are needed to prove that conclusively. Therefore, this variant has been classified as Likely Pathogenic.

Literature cited by the submitters: PubMed 16199547; PubMed 10366601; PubMed 11810295; PubMed 12915477; PubMed 16473856; PubMed 17362460; PubMed 22434185; PubMed 23869449; PubMed 27827380; PubMed 28087116.

NM_198129.4(LAMA3):c.6718+2T>C

Gene: LAMA3 (laminin subunit alpha 3; plus strand). Cytogenetic location: 18q11.2.
Variant type: single nucleotide variant.
Coding change: c.6718+2T>C on transcript NM_198129.4 (MANE Select); the canonical splice donor site of the intron after coding-DNA position 6718, T replaced by C.
Molecular consequence: splice donor variant.
Genome position (GRCh38, 1-based): chr18:23,905,626, T>C. VCF-style: chr18-23905626-T-C. GRCh37 (hg19) VCF-style: chr18-21485590-T-C.
Other names: c.6550+2T>C (NM_001127717.4); c.1891+2T>C (NM_000227.6); c.1723+2T>C (NM_001127718.4).
Identifiers: ClinVar variation 3646200 (VCV003646200.2).